The following is an entry in ClinVar:

ClinVar aggregate classification (germline): Benign. Review status: reviewed by expert panel (3 of 4 stars). 12 submissions from 12 submitters: Benign (1). 11 of the submissions do not count toward it. Last evaluated 2024-02-01.

Conditions:
Hereditary factor VIII deficiency disease (HEMA). Also called: HEMOPHILIA, CLASSIC; AUTOSOMAL HEMOPHILIA A; Hemophilia A; Hemophilia A, congenital; HEM A; Factor 8 deficiency, congenital. Identifiers: Orphanet 98878, MedGen C0019069, MONDO:0010602, OMIM 306700.

Allele frequency attached by ClinVar (database versions not stated): gnomAD exomes 0.14704 and 0.10505; 1000 Genomes Project 0.16053; 1000 Genomes Project 30x 0.16275; ESP Exome Variant Server 0.08010; gnomAD 0.09246 and 0.09941; TOPMed 0.10767; ExAC 0.13923.
gnomAD v4.1: 127,617 of 1,209,232 alleles (11%); highest among the groups gnomAD compares: South Asian, 34%; 5,747 homozygotes.

Submissions (12):

ClinGen Coagulation Factor Deficiency Variant Curation Expert Panel, Clingen
Classification: Benign for Hereditary factor VIII deficiency disease. Last evaluated: 2024-02-01. Review status: reviewed by expert panel. Criteria: ClinGen CoagFactor ACMG Specifications F8 V1.0.0. Collection method: curation. Allele origin: germline. Inheritance: X-linked inheritance.
Comment: The c.3864A>C (p.Ser1288=) variant is reported at an MAF of 0.3377 (6437/19059 alleles) in the South Asian population in gnomAD v2.1.,1 with 3958 hemizygotes and 424 homozygotes, meeting BA1 criteria of MAF > 0.000333. The synonymous variant is predicted to have no impact on splicing based on SpliceAI score of 0.0, meeting BP4. In summary, this variant meets criteria to be classified as benign. ACMG/AMP criteria applied, as specified by the Coagulation Factor Deficiency Variant Curation Expert Panel for F8/F9: BA1, BP4.

ARUP Laboratories, Molecular Genetics and Genomics, ARUP Laboratories
Classification: Benign. Last evaluated: 2025-07-30. Review status: criteria provided, single submitter. Criteria: ARUP Molecular Germline Variant Investigation Process 2024. Collection method: clinical testing. Allele origin: germline. Not counted in ClinVar's aggregate classification.

Labcorp Genetics (formerly Invitae), Labcorp
Classification: Benign. Last evaluated: 2025-07-21. Review status: criteria provided, single submitter. Criteria: Invitae Variant Classification Sherloc (09022015). Collection method: clinical testing. Allele origin: germline. Not counted in ClinVar's aggregate classification.

Blueprint Genetics
Classification: Benign. Last evaluated: 2024-11-28. Review status: criteria provided, single submitter. Criteria: ACMG Guidelines, 2015. Collection method: clinical testing. Allele origin: germline. Not counted in ClinVar's aggregate classification.

Genome-Nilou Lab
Classification: Benign for Hereditary factor VIII deficiency disease. Last evaluated: 2021-08-10. Review status: criteria provided, single submitter. Criteria: ACMG Guidelines, 2015. Collection method: clinical testing. Allele origin: germline. Affected: no. Not counted in ClinVar's aggregate classification.

GeneDx
Classification: Benign. Last evaluated: 2018-11-11. Review status: criteria provided, single submitter. Criteria: GeneDx Variant Classification Process June 2021. Collection method: clinical testing. Allele origin: germline. Affected: yes. Not counted in ClinVar's aggregate classification.

Illumina Laboratory Services, Illumina
Classification: Benign for Hereditary factor VIII deficiency disease. Last evaluated: 2017-04-27. Review status: criteria provided, single submitter. Criteria: ICSL Variant Classification Criteria 13 December 2019. Collection method: clinical testing. Allele origin: germline. Not counted in ClinVar's aggregate classification.
Comment: This variant was observed as part of a predisposition screen in an ostensibly healthy population. A literature search was performed for the gene, cDNA change, and amino acid change (where applicable). Publications were found based on this search. The evidence from the literature, in combination with allele frequency data from public databases where available, was sufficient to rule this variant out of causing disease. Therefore, this variant is classified as benign.

Mayo Clinic Laboratories, Mayo Clinic
Classification: Benign. Last evaluated: 2016-05-26. Review status: criteria provided, single submitter. Criteria: ACMG Guidelines, 2015. Collection method: clinical testing. Allele origin: germline. Observed: 100 variant alleles. Not counted in ClinVar's aggregate classification.

Breakthrough Genomics
Classification: Benign. Review status: criteria provided, single submitter. Criteria: ACMG Guidelines, 2015. Collection method: not provided. Allele origin: germline. Inheritance: X-linked inheritance. Affected: yes. Not counted in ClinVar's aggregate classification.

PreventionGenetics, part of Exact Sciences
Classification: Benign. Review status: criteria provided, single submitter. Criteria: ACMG Guidelines, 2015. Collection method: clinical testing. Allele origin: germline. Not counted in ClinVar's aggregate classification.

Diagnostic Laboratory, Department of Genetics, University Medical Center Groningen
Classification: Benign. Review status: no assertion criteria provided. Collection method: clinical testing. Allele origin: germline. Affected: yes. Study: VKGL Data-share Consensus. Not counted in ClinVar's aggregate classification.

Genome Diagnostics Laboratory, University Medical Center Utrecht
Classification: Benign. Review status: no assertion criteria provided. Collection method: clinical testing. Allele origin: germline. Affected: yes. Study: VKGL Data-share Consensus. Not counted in ClinVar's aggregate classification.

Literature cited by the submitters: PubMed 24134483 (cited by Illumina Laboratory Services, Illumina); PubMed 20331761 (cited by Illumina Laboratory Services, Illumina); PubMed 16834740 (cited by Illumina Laboratory Services, Illumina); PubMed 24086941 (cited by Illumina Laboratory Services, Illumina); PubMed 10404764 (cited by Illumina Laboratory Services, Illumina); PubMed 18479430 (cited by Illumina Laboratory Services, Illumina); PubMed 23809411 (cited by Illumina Laboratory Services, Illumina); PubMed 24118398 (cited by Illumina Laboratory Services, Illumina); PubMed 23711237 (cited by Illumina Laboratory Services, Illumina).

NM_000132.4(F8):c.3864A>C (p.Ser1288=)

Gene: F8 (coagulation factor VIII; minus strand). Cytogenetic location: Xq28.
Variant type: single nucleotide variant.
Coding change: c.3864A>C on transcript NM_000132.4 (MANE Select); coding-DNA position 3864, A replaced by C.
Protein change: p.Ser1288=; no amino-acid change (serine 1288 retained).
Molecular consequence: synonymous variant.
Genome position (GRCh38, 1-based): chrX:154,929,926, T>G on the plus strand (A>C on the coding strand, the complement: F8 is on the minus strand). VCF-style: chrX-154929926-T-G. GRCh37 (hg19) VCF-style: chrX-154158201-T-G.
Other names: NM_000132.3(F8):c.3864A>C; p.Ser1288=.
Identifiers: ClinVar variation 41000 (VCV000041000.34), dbSNP rs1800292, ClinGen allele CA343867.
Genomic context (GRCh38, chrX:154,929,926, plus strand): 5'-CTCTACAATTTGCTTGGTTTGATTTCCCAAGCCTTCCAAGTTTTCTTCCTCCCCTTTTTT[T>G]GAGAAATGAGCTGTGTGTTTCTTTGTTCTATTTGTTGAATCATTTAATGACCTAAAATCT-3'
Protein context (NP_000123.1, residues 1278-1298): NRTKKHTAHF[Ser1288=]KKGEEENLEG